The following is an entry in ClinVar:

ClinVar aggregate classification (germline): Benign/Likely benign. Review status: criteria provided, multiple submitters, no conflicts (2 of 4 stars). 4 submissions from 4 submitters: Benign (1); Likely benign (3). Last evaluated 2025-10-31.

Conditions:
Hereditary cancer-predisposing syndrome. Also called: Hereditary neoplastic syndrome; Neoplastic Syndromes, Hereditary; Tumor predisposition; Hereditary Cancer Syndrome. Identifiers: Orphanet 140162, MedGen C0027672, MeSH D009386, MONDO:0015356.
Familial cancer of breast. Also called: BREAST CANCER, FAMILIAL; Hereditary breast cancer; hereditary breast carcinoma. Identifiers: Orphanet 227535, MedGen C0346153, MONDO:0016419, OMIM 114480. Disease mechanism: loss of function.
Ataxia-telangiectasia syndrome (AT). Also called: LOUIS-BAR SYNDROME; Cerebello-oculocutaneous telangiectasia; Immunodeficiency with ataxia telangiectasia; AT, COMPLEMENTATION GROUP C; Ataxia-telangiectasia, complementation group D; ATAXIA-TELANGIECTASIA, COMPLEMENTATION GROUP A. Identifiers: Orphanet 100, MedGen C0004135, MONDO:0008840, OMIM 208900.

Allele frequency attached by ClinVar (database versions not stated): gnomAD exomes below 0.00001; ExAC 0.00001; gnomAD 0.00001; TOPMed 0.00001.
gnomAD v4.1: 6 of 1,558,146 alleles (0.00039%); highest among the groups gnomAD compares: African/African-American, 0.0014%; no homozygotes.

Submissions (4):

Labcorp Genetics (formerly Invitae), Labcorp
Classification: Likely benign for Ataxia-telangiectasia syndrome. Last evaluated: 2025-10-31. Review status: criteria provided, single submitter. Criteria: Invitae Variant Classification Sherloc (09022015). Collection method: clinical testing. Allele origin: germline.

Myriad Genetics, Inc.
Classification: Benign for Familial cancer of breast. Last evaluated: 2024-05-20. Review status: criteria provided, single submitter. Criteria: Myriad Autosomal Dominant, Autosomal Recessive and X-Linked Classification Criteria (2023). Collection method: clinical testing. Allele origin: unknown.
Comment: This variant is considered benign. This variant is a silent/synonymous amino acid change and it is not expected to impact splicing.

Color Diagnostics, LLC DBA Color Health
Classification: Likely benign for Hereditary cancer-predisposing syndrome. Last evaluated: 2018-07-09. Review status: criteria provided, single submitter. Criteria: ACMG Guidelines, 2015. Collection method: clinical testing. Allele origin: germline.

Ambry Genetics
Classification: Likely benign for Hereditary cancer-predisposing syndrome. Last evaluated: 2015-12-03. Review status: criteria provided, single submitter. Criteria: Ambry Variant Classification Scheme 2023. Collection method: clinical testing. Allele origin: germline.

NM_000051.4(ATM):c.4629A>G (p.Lys1543=)

Gene: ATM (ATM serine/threonine kinase; plus strand). Cytogenetic location: 11q22.3.
Variant type: single nucleotide variant.
Coding change: c.4629A>G on transcript NM_000051.4 (MANE Select); coding-DNA position 4629, A replaced by G.
Protein change: p.Lys1543=; no amino-acid change (lysine 1543 retained).
Molecular consequence: synonymous variant.
Genome position (GRCh38, 1-based): chr11:108,293,330, A>G. VCF-style: chr11-108293330-A-G. GRCh37 (hg19) VCF-style: chr11-108164057-A-G.
Other names: c.4629A>G, p.Lys1543= (NM_001351834.2).
Identifiers: ClinVar variation 485172 (VCV000485172.15), dbSNP rs745565564, ClinGen allele CA6265521.
Genomic context (GRCh38, chr11:108,293,330, plus strand): 5'-TTATTTCTCTCCTTATAATTTTTTCTTTTTAAATTATATTTAGGTATTGGACTTGTTGAA[A>G]TACTTAGTGATAGATAACAAGGATAATGAAAACCTCTATATCACGATTAAGCTTTTAGAT-3'
Protein context (NP_000042.3, residues 1533-1553): EVQKQVLDLL[Lys1543=]YLVIDNKDNE